The following is an entry in ClinVar:

ClinVar aggregate classification (germline): Uncertain significance. Review status: criteria provided, multiple submitters, no conflicts (2 of 4 stars). 3 submissions from 3 submitters: Uncertain significance (3). Last evaluated 2025-12-01.

Conditions:
Inborn genetic diseases. Identifiers: MedGen C0950123, MeSH D030342.

Allele frequency attached by ClinVar (database versions not stated): gnomAD 0.00002; TOPMed 0.00002; ExAC 0.00003; gnomAD exomes 0.00004.
gnomAD v4.1: 53 of 1,595,226 alleles (0.0033%); highest among the groups gnomAD compares: Non-Finnish European, 0.0044%; no homozygotes.

Submissions (3):

CeGaT Center for Human Genetics Tuebingen
Classification: Uncertain significance. Last evaluated: 2025-12-01. Review status: criteria provided, single submitter. Criteria: CeGaT Center For Human Genetics Tuebingen Variant Classification Criteria Version 2. Collection method: clinical testing. Allele origin: germline. Affected: yes. Observed: 1 variant allele.
Comment: PTPN23: PM2

Ambry Genetics
Classification: Uncertain significance for Inborn genetic diseases. Last evaluated: 2025-10-29. Review status: criteria provided, single submitter. Criteria: Ambry Variant Classification Scheme 2023. Collection method: clinical testing. Allele origin: germline.

Labcorp Genetics (formerly Invitae), Labcorp
Classification: Uncertain significance. Last evaluated: 2025-08-29. Review status: criteria provided, single submitter. Criteria: Invitae Variant Classification Sherloc (09022015). Collection method: clinical testing. Allele origin: germline.
Comment: This sequence change replaces proline, which is neutral and non-polar, with leucine, which is neutral and non-polar, at codon 790 of the PTPN23 protein (p.Pro790Leu). This variant is present in population databases (rs755971474, gnomAD 0.01%). This variant has not been reported in the literature in individuals affected with PTPN23-related conditions. ClinVar contains an entry for this variant (Variation ID: 1441098). Experimental studies and prediction algorithms are not available or were not evaluated, and the functional significance of this variant is currently unknown. In summary, the available evidence is currently insufficient to determine the role of this variant in disease. Therefore, it has been classified as a Variant of Uncertain Significance.

NM_015466.4(PTPN23):c.2369C>T (p.Pro790Leu)

Gene: PTPN23 (protein tyrosine phosphatase non-receptor type 23; plus strand). Cytogenetic location: 3p21.31.
Variant type: single nucleotide variant.
Coding change: c.2369C>T on transcript NM_015466.4 (MANE Select); coding-DNA position 2369, C replaced by T.
Protein change: p.Pro790Leu; replaces proline 790 with leucine.
Molecular consequence: missense variant.
Genome position (GRCh38, 1-based): chr3:47,410,167, C>T. VCF-style: chr3-47410167-C-T. GRCh37 (hg19) VCF-style: chr3-47451657-C-T.
Other names: c.2369C>T (NM_015466.2); c.1991C>T, p.Pro664Leu (NM_001304482.2); short protein forms P790L, P664L.
Identifiers: ClinVar variation 1441098 (VCV001441098.10), dbSNP rs755971474, ClinGen allele CA2366019.
Genomic context (GRCh38, chr3:47,410,167, plus strand): 5'-ACTTTCCTCCCAGCCCCTTCCCCAGCTCCACAGGCCCAGGACCCCACTATCTCTCAGGCC[C>T]CTTGCCCCCTGGTACCTACTCGGGCCCCACCCAGCTGATACAGCCCAGGGCCCCAGGGCC-3'
Protein context (NP_056281.1, residues 780-800): TGPGPHYLSG[Pro790Leu]LPPGTYSGPT